The following is an entry in ClinVar:

ClinVar aggregate classification (germline): Pathogenic (1 of 4 stars; one submission).

Conditions:
Charcot-Marie-Tooth disease type 4A. Also called: Charcot-Marie-Tooth disease, demyelinating, autosomal recessive, type 4a. Identifiers: Orphanet 99948, MedGen C1859198, MONDO:0008961, OMIM 214400.

Submission:

Labcorp Genetics (formerly Invitae), Labcorp
Classification: Pathogenic for Charcot-Marie-Tooth disease type 4A. Last evaluated: 2022-11-24. Review status: criteria provided, single submitter. Criteria: Invitae Variant Classification Sherloc (09022015). Collection method: clinical testing. Allele origin: germline.
Comment: For these reasons, this variant has been classified as Pathogenic. Isolated whole-gene deletions of GDAP1 have not been reported in the literature. However, larger copy number events that include this gene have been reported (PMID: 26648837). A gross deletion of the genomic region encompassing the full coding sequence of the GDAP1 gene has been identified. Loss-of-function variants in GDAP1 are known to be pathogenic (PMID: 11743580). The boundaries of this event are unknown as they extend beyond the assayed region for this gene and therefore may encompass additional genes.

Literature cited by the submitters: PubMed 26648837; PubMed 11743580.

NC_000008.10:g.(?_75262697)_(75276602_?)del

Gene: GDAP1 (ganglioside induced differentiation associated protein 1; plus strand). Cytogenetic location: 8q21.11.
Variant type: Deletion.
Identifiers: ClinVar variation 1456646 (VCV001456646.4).